The following is an entry in ClinVar:

ClinVar aggregate classification (germline): Uncertain significance. Review status: criteria provided, multiple submitters, no conflicts (2 of 4 stars). 2 submissions from 2 submitters: Uncertain significance (2). Last evaluated 2026-02-02.

Conditions:
Cardiovascular phenotype. Identifiers: MedGen CN230736.
Hypertrophic cardiomyopathy. Also called: HYPERTROPHIC MYOCARDIOPATHY. Identifiers: Orphanet 217569, MedGen C0007194, MeSH D002312, MONDO:0005045, HP:0001639.

Submissions (2):

Labcorp Genetics (formerly Invitae), Labcorp
Classification: Uncertain significance for Hypertrophic cardiomyopathy. Last evaluated: 2026-02-02. Review status: criteria provided, single submitter. Criteria: Invitae Variant Classification Sherloc (09022015). Collection method: clinical testing. Allele origin: germline.
Comment: This sequence change replaces threonine, which is neutral and polar, with alanine, which is neutral and non-polar, at codon 457 of the MYBPC3 protein (p.Thr457Ala). This variant is not present in population databases (gnomAD no frequency). This variant has not been reported in the literature in individuals affected with MYBPC3-related conditions. ClinVar contains an entry for this variant (Variation ID: 582370). An algorithm developed to predict the effect of missense changes on protein structure and function (PolyPhen-2) suggests that this variant is likely to be tolerated. In summary, the available evidence is currently insufficient to determine the role of this variant in disease. Therefore, it has been classified as a Variant of Uncertain Significance.

Ambry Genetics
Classification: Uncertain significance for Cardiovascular phenotype. Last evaluated: 2023-11-01. Review status: criteria provided, single submitter. Criteria: Ambry Variant Classification Scheme 2023. Collection method: clinical testing. Allele origin: germline.
Comment: The p.T457A variant (also known as c.1369A>G), located in coding exon 16 of the MYBPC3 gene, results from an A to G substitution at nucleotide position 1369. The threonine at codon 457 is replaced by alanine, an amino acid with similar properties. This amino acid position is conserved. In addition, this alteration is predicted to be tolerated by in silico analysis. Since supporting evidence is limited at this time, the clinical significance of this alteration remains unclear.

NM_000256.3(MYBPC3):c.1369A>G (p.Thr457Ala)

Gene: MYBPC3 (myosin binding protein C3; minus strand). Cytogenetic location: 11p11.2.
Variant type: single nucleotide variant.
Coding change: c.1369A>G on transcript NM_000256.3 (MANE Select); coding-DNA position 1369, A replaced by G.
Protein change: p.Thr457Ala; replaces threonine 457 with alanine.
Molecular consequence: missense variant.
Genome position (GRCh38, 1-based): chr11:47,342,918, T>C on the plus strand (A>G on the coding strand, the complement: MYBPC3 is on the minus strand). VCF-style: chr11-47342918-T-C. GRCh37 (hg19) VCF-style: chr11-47364469-T-C.
Other names: c.1369A>G, p.Thr457Ala (LRG_386t1); short protein forms T457A.
Identifiers: ClinVar variation 582370 (VCV000582370.9), dbSNP rs1565628106, ClinGen allele CA380326346.